The following is an entry in ClinVar:

ClinVar aggregate classification (germline): Uncertain significance (1 of 4 stars; one submission).

Conditions:
Primary ciliary dyskinesia. Also called: Ciliary dyskinesia. Identifiers: Orphanet 244, MedGen C0008780, MONDO:0016575, HP:0012265.

Allele frequency attached by ClinVar (database versions not stated): gnomAD exomes below 0.00001.
gnomAD v4.1: 3 of 1,600,018 alleles (0.00019%); highest among the groups gnomAD compares: Non-Finnish European, 0.00026%; no homozygotes.

Submission:

Labcorp Genetics (formerly Invitae), Labcorp
Classification: Uncertain significance for Primary ciliary dyskinesia. Last evaluated: 2021-11-27. Review status: criteria provided, single submitter. Criteria: Invitae Variant Classification Sherloc (09022015). Collection method: clinical testing. Allele origin: germline.
Comment: This variant is not present in population databases (gnomAD no frequency). In summary, the available evidence is currently insufficient to determine the role of this variant in disease. Therefore, it has been classified as a Variant of Uncertain Significance. Algorithms developed to predict the effect of sequence changes on RNA splicing suggest that this variant may create or strengthen a splice site. Advanced modeling of protein sequence and biophysical properties (such as structural, functional, and spatial information, amino acid conservation, physicochemical variation, residue mobility, and thermodynamic stability) performed at Invitae indicates that this missense variant is not expected to disrupt DNAH11 protein function. This variant has not been reported in the literature in individuals affected with DNAH11-related conditions. This sequence change replaces isoleucine, which is neutral and non-polar, with valine, which is neutral and non-polar, at codon 1464 of the DNAH11 protein (p.Ile1464Val).

NM_001277115.2(DNAH11):c.4390A>G (p.Ile1464Val)

Gene: DNAH11 (dynein axonemal heavy chain 11; plus strand). Cytogenetic location: 7p15.3.
Variant type: single nucleotide variant.
Coding change: c.4390A>G on transcript NM_001277115.2 (MANE Select); coding-DNA position 4390, A replaced by G.
Protein change: p.Ile1464Val; replaces isoleucine 1464 with valine.
Molecular consequence: missense variant.
Genome position (GRCh38, 1-based): chr7:21,619,968, A>G. VCF-style: chr7-21619968-A-G. GRCh37 (hg19) VCF-style: chr7-21659586-A-G.
Other names: short protein forms I1464V.
Identifiers: ClinVar variation 1518593 (VCV001518593.6), dbSNP rs2128454118, ClinGen allele CA366952808.
Genomic context (GRCh38, chr7:21,619,968, plus strand): 5'-GATTATCAATTAAATTTTGTGCACATTAATTATATTGTTGATTACTAGGTTATTACTGAA[A>G]TCAGTCAGACCTGGGCAACCATGAAGTTTTCTTACGAAGTTCACTATCGAACAGGCATTC-3'
Protein context (NP_001264044.1, residues 1454-1474): ELGTEKVITE[Ile1464Val]SQTWATMKFS